The following is an entry in ClinVar:

NM_021728.4(OTX2):c.707C>T (p.Thr236Ile)

Gene: OTX2 (orthodenticle homeobox 2; minus strand). Cytogenetic location: 14q22.3.
Variant type: single nucleotide variant.
Coding change: c.707C>T on transcript NM_021728.4 (MANE Select); coding-DNA position 707, C replaced by T.
Protein change: p.Thr236Ile; replaces threonine 236 with isoleucine.
Molecular consequence: missense variant. On other transcripts: non-coding transcript variant (2).
Genome position (GRCh38, 1-based): chr14:56,801,922, G>A on the plus strand (C>T on the coding strand, the complement: OTX2 is on the minus strand). VCF-style: chr14-56801922-G-A. GRCh37 (hg19) VCF-style: chr14-57268640-G-A.
Other names: c.683C>T, p.Thr228Ile (NM_001270523.2, NM_001270524.2, NM_172337.3); c.707C>T, p.Thr236Ile (NM_001270525.2); short protein forms T236I, T228I.
Identifiers: ClinVar variation 2113335 (VCV002113335.4), dbSNP rs2503894515, ClinGen allele CA390051291.

ClinVar aggregate classification (germline): Uncertain significance (1 of 4 stars; one submission).

Conditions:
Anophthalmia-microphthalmia syndrome. Also called: Anophthalmia/Microphthalmia; Anophthalmia - microphthalmia. Identifiers: Orphanet 98555, MedGen C5680330, MONDO:0020147.

Submission:

Labcorp Genetics (formerly Invitae), Labcorp
Classification: Uncertain significance for Anophthalmia-microphthalmia syndrome. Last evaluated: 2022-03-17. Review status: criteria provided, single submitter. Criteria: Invitae Variant Classification Sherloc (09022015). Collection method: clinical testing. Allele origin: germline.
Comment: This sequence change replaces threonine, which is neutral and polar, with isoleucine, which is neutral and non-polar, at codon 228 of the OTX2 protein (p.Thr228Ile). This variant is not present in population databases (gnomAD no frequency). This variant has not been reported in the literature in individuals affected with OTX2-related conditions. Algorithms developed to predict the effect of missense changes on protein structure and function are either unavailable or do not agree on the potential impact of this missense change (SIFT: "Deleterious"; PolyPhen-2: "Benign"; Align-GVGD: "Class C65"). In summary, the available evidence is currently insufficient to determine the role of this variant in disease. Therefore, it has been classified as a Variant of Uncertain Significance.